The following is an entry in ClinVar:

NM_205834.4(LSR):c.840T>C (p.Tyr280=)

Gene: LSR (lipolysis stimulated lipoprotein receptor; plus strand). Cytogenetic location: 19q13.12.
Variant type: single nucleotide variant.
Coding change: c.840T>C on transcript NM_205834.4 (MANE Select); coding-DNA position 840, T replaced by C.
Protein change: p.Tyr280=; no amino-acid change (tyrosine 280 retained).
Molecular consequence: synonymous variant.
Genome position (GRCh38, 1-based): chr19:35,266,420, T>C. VCF-style: chr19-35266420-T-C. GRCh37 (hg19) VCF-style: chr19-35757323-T-C.
Other names: c.783T>C, p.Tyr261= (NM_001260489.2, NM_015925.7); c.516T>C, p.Tyr172= (NM_001260490.2); c.636T>C, p.Tyr212= (NM_001385215.1, NM_205835.4).
Identifiers: ClinVar variation 722555 (VCV000722555.5), dbSNP rs373802174, ClinGen allele CA9374866.

ClinVar aggregate classification (germline): Likely benign. Review status: criteria provided, multiple submitters, no conflicts (2 of 4 stars). 2 submissions from 2 submitters: Likely benign (2). Last evaluated 2026-07-28.

Conditions:
LSR-related condition.

Allele frequency attached by ClinVar (database versions not stated): ExAC 0.00013; gnomAD exomes 0.00013 and 0.00036; TOPMed 0.00013; gnomAD 0.00014; ESP Exome Variant Server 0.00031.

Submissions (2):

PreventionGenetics, part of Exact Sciences
Classification: Likely benign for LSR-related condition. Last evaluated: 2026-07-28. Review status: criteria provided, single submitter. Criteria: ACMG Guidelines, 2015. Collection method: clinical testing. Allele origin: germline.
Comment: This variant is classified as likely benign based on ACMG/AMP sequence variant interpretation guidelines (Richards et al. 2015 PMID: 25741868, with internal and published modifications).

Labcorp Genetics (formerly Invitae), Labcorp
Classification: Likely benign. Last evaluated: 2025-12-23. Review status: criteria provided, single submitter. Criteria: Invitae Variant Classification Sherloc (09022015). Collection method: clinical testing. Allele origin: germline.